The following is an entry in ClinVar:

NM_001197104.2(KMT2A):c.6619C>T (p.Arg2207Trp)

Gene: KMT2A (lysine methyltransferase 2A; plus strand). Cytogenetic location: 11q23.3.
Variant type: single nucleotide variant.
Coding change: c.6619C>T on transcript NM_001197104.2 (MANE Select); coding-DNA position 6619, C replaced by T.
Protein change: p.Arg2207Trp; replaces arginine 2207 with tryptophan.
Molecular consequence: missense variant.
Genome position (GRCh38, 1-based): chr11:118,502,511, C>T. VCF-style: chr11-118502511-C-T. GRCh37 (hg19) VCF-style: chr11-118373226-C-T.
Other names: c.6610C>T, p.Arg2204Trp (NM_005933.4); short protein forms R2204W, R2207W.
Identifiers: ClinVar variation 1518788 (VCV001518788.6), dbSNP rs150570074, ClinGen allele CA6304282.

ClinVar aggregate classification (germline): Uncertain significance (1 of 4 stars; one submission).

Allele frequency attached by ClinVar (database versions not stated): gnomAD 0.00003 and 0.00004; gnomAD exomes 0.00004; TOPMed 0.00005; ESP Exome Variant Server 0.00008.
gnomAD v4.1: 83 of 1,613,968 alleles (0.0051%); highest among the groups gnomAD compares: Non-Finnish European, 0.0064%; no homozygotes.

Submission:

Labcorp Genetics (formerly Invitae), Labcorp
Classification: Uncertain significance. Last evaluated: 2025-11-27. Review status: criteria provided, single submitter. Criteria: Invitae Variant Classification Sherloc (09022015). Collection method: clinical testing. Allele origin: germline.
Comment: This sequence change replaces arginine, which is basic and polar, with tryptophan, which is neutral and slightly polar, at codon 2207 of the KMT2A protein (p.Arg2207Trp). This variant is present in population databases (rs150570074, gnomAD 0.005%). This missense change has been observed in individual(s) with neurodevelopmental disorders (PMID: 33004838). ClinVar contains an entry for this variant (Variation ID: 1518788). Invitae Evidence Modeling of protein sequence and biophysical properties (such as structural, functional, and spatial information, amino acid conservation, physicochemical variation, residue mobility, and thermodynamic stability) indicates that this missense variant is not expected to disrupt KMT2A protein function with a negative predictive value of 95%. In summary, the available evidence is currently insufficient to determine the role of this variant in disease. Therefore, it has been classified as a Variant of Uncertain Significance.

Literature cited by the submitters: PubMed 33004838.